The following is an entry in ClinVar:

ClinVar aggregate classification (germline): Uncertain significance. Review status: criteria provided, multiple submitters, no conflicts (2 of 4 stars). 4 submissions from 4 submitters: Uncertain significance (4). Last evaluated 2024-10-24.

Conditions:
Inborn genetic diseases. Identifiers: MedGen C0950123, MeSH D030342.
Bartter disease type 4B. Also called: Bartter syndrome, type 4b, digenic; BARTTER SYNDROME, TYPE 4B; BARTTER SYNDROME, TYPE 4B, NEONATAL, WITH SENSORINEURAL DEAFNESS. Identifiers: Orphanet 112, MedGen C4310805, MONDO:0000909, OMIM 613090.
Bartter disease type 3. Also called: Bartter syndrome type 3. Identifiers: Orphanet 112, Orphanet 93605, MedGen C1846343, MONDO:0011822, OMIM 607364.

Allele frequency attached by ClinVar (database versions not stated): gnomAD 0.00022; ESP Exome Variant Server 0.00023; gnomAD exomes 0.00031 and 0.00034; ExAC 0.00051.

Submissions (4):

Blueprint Genetics
Classification: Uncertain significance. Last evaluated: 2024-10-24. Review status: criteria provided, single submitter. Criteria: ACMG Guidelines, 2015. Collection method: clinical testing. Allele origin: germline.

Ambry Genetics
Classification: Uncertain significance for Inborn genetic diseases. Last evaluated: 2024-04-15. Review status: criteria provided, single submitter. Criteria: Ambry Variant Classification Scheme 2023. Collection method: clinical testing. Allele origin: germline.

Labcorp Genetics (formerly Invitae), Labcorp
Classification: Uncertain significance. Last evaluated: 2023-10-03. Review status: criteria provided, single submitter. Criteria: Invitae Variant Classification Sherloc (09022015). Collection method: clinical testing. Allele origin: germline.
Comment: This sequence change replaces alanine, which is neutral and non-polar, with aspartic acid, which is acidic and polar, at codon 488 of the CLCNKB protein (p.Ala488Asp). This variant is present in population databases (rs145862077, gnomAD 0.06%). This variant has not been reported in the literature in individuals affected with CLCNKB-related conditions. ClinVar contains an entry for this variant (Variation ID: 1376549). Advanced modeling of protein sequence and biophysical properties (such as structural, functional, and spatial information, amino acid conservation, physicochemical variation, residue mobility, and thermodynamic stability) performed at Invitae indicates that this missense variant is expected to disrupt CLCNKB protein function. In summary, the available evidence is currently insufficient to determine the role of this variant in disease. Therefore, it has been classified as a Variant of Uncertain Significance.

Fulgent Genetics
Classification: Uncertain significance for Bartter disease type 3; Bartter disease type 4B. Last evaluated: 2021-12-31. Review status: criteria provided, single submitter. Criteria: ACMG Guidelines, 2015. Collection method: clinical testing. Allele origin: unknown.

NM_000085.5(CLCNKB):c.1463C>A (p.Ala488Asp)

Genes: CLCNKB (chloride voltage-gated channel Kb; plus strand), LOC106501713 (CLCNKB recombination region; plus strand). Cytogenetic location: 1p36.13.
Variant type: single nucleotide variant.
Coding change: c.1463C>A on transcript NM_000085.5 (MANE Select); coding-DNA position 1463, C replaced by A.
Protein change: p.Ala488Asp; replaces alanine 488 with aspartic acid.
Molecular consequence: missense variant.
Genome position (GRCh38, 1-based): chr1:16,052,252, C>A. VCF-style: chr1-16052252-C-A. GRCh37 (hg19) VCF-style: chr1-16378747-C-A.
Other names: c.1463C>A (NM_000085.3); c.956C>A, p.Ala319Asp (NM_001165945.2); short protein forms A319D, A488D.
Identifiers: ClinVar variation 1376549 (VCV001376549.8), dbSNP rs145862077, ClinGen allele CA623883.